The following is an entry in ClinVar:

NM_201384.3(PLEC):c.576C>T (p.Leu192=)

Gene: PLEC (plectin; minus strand). Cytogenetic location: 8q24.3.
Variant type: single nucleotide variant.
Coding change: c.576C>T on transcript NM_201384.3 (MANE Select); coding-DNA position 576, C replaced by T.
Protein change: p.Leu192=; no amino-acid change (leucine 192 retained).
Molecular consequence: synonymous variant.
Genome position (GRCh38, 1-based): chr8:143,935,874, G>A on the plus strand (C>T on the coding strand, the complement: PLEC is on the minus strand). VCF-style: chr8-143935874-G-A. GRCh37 (hg19) VCF-style: chr8-145010042-G-A.
Other names: c.657C>T (NM_000445.4); c.657C>T, p.Leu219= (NM_000445.5, NM_001410941.1); c.534C>T, p.Leu178= (NM_201378.4); c.510C>T, p.Leu170= (NM_201379.3); c.987C>T, p.Leu329= (NM_201380.4); c.480C>T, p.Leu160= (NM_201381.3); c.576C>T, p.Leu192= (NM_201382.4); c.588C>T, p.Leu196= (NM_201383.3).
Identifiers: ClinVar variation 2925868 (VCV002925868.5), dbSNP rs1554722763, ClinGen allele CA463435005.
Genomic context (GRCh38, chr8:143,935,874, plus strand): 5'-CAGCCCACAGCCCCCTGCCCCCGGGGCCATGTACTTGTGCCGGTGGATGATGGCATTGAA[G>A]AGGCGGCCGTCTCTCCAGCTGGAGGTGAAGTTGTCGCATCGCAGGCCCTGGTACCCCTCC-3'
Protein context (NP_958786.1, residues 182-202): NFTSSWRDGR[Leu192=]FNAIIHRHKP

ClinVar aggregate classification (germline): Likely benign. Review status: criteria provided, single submitter (1 of 4 stars). 2 submissions from 2 submitters: Likely benign (1). 1 of the submissions does not count toward it. Last evaluated 2023-01-20.

Conditions:
Epidermolysis bullosa simplex, Ogna type (EBS5A). Also called: Pidermolysis bullosa simplex 5A, Ogna type; EPIDERMOLYSIS BULLOSA SIMPLEX 5A, OGNA TYPE. Identifiers: Orphanet 79401, MedGen C0432317, MONDO:0007555, OMIM 131950.
Epidermolysis bullosa simplex 5C, with pyloric atresia (EBS5C). Also called: PLEC-Related Epidermolysis Bullosa with Pyloric Atresia; Epidermolysis bullosa simplex with pyloric atresia; PLEC1-Related Epidermolysis Bullosa with Pyloric Atresia. Identifiers: Orphanet 158684, MedGen C2677349, MONDO:0012807, OMIM 612138.
Epidermolysis bullosa simplex 5B, with muscular dystrophy (EBS5B). Also called: Epidermolysis bullosa simplex with muscular dystrophy; EPIDERMOLYSIS BULLOSA SIMPLEX AND LIMB-GIRDLE MUSCULAR DYSTROPHY. Identifiers: Orphanet 257, MedGen C2931072, MONDO:0009181, OMIM 226670.
Epidermolysis bullosa simplex with nail dystrophy (EBS5D). Identifiers: MedGen C4225309, MONDO:0014661, OMIM 616487.
Autosomal recessive limb-girdle muscular dystrophy type 2Q (LGMDR17). Also called: MUSCULAR DYSTROPHY, LIMB-GIRDLE, AUTOSOMAL RECESSIVE 17. Identifiers: Orphanet 254361, MedGen C3150989, MONDO:0013390, OMIM 613723.
PLEC-related disorder. Also called: PLEC-related condition; PLEC-related disorders.

Allele frequency attached by ClinVar (database versions not stated): gnomAD exomes below 0.00001.
gnomAD v4.1: 1 of 1,612,928 alleles (0.000062%); highest among the groups gnomAD compares: East Asian, 0.0022%; no homozygotes.

Submissions (2):

Labcorp Genetics (formerly Invitae), Labcorp
Classification: Likely benign for Autosomal recessive limb-girdle muscular dystrophy type 2Q; Epidermolysis bullosa simplex, Ogna type; Epidermolysis bullosa simplex with nail dystrophy; Epidermolysis bullosa simplex 5C, with pyloric atresia; Epidermolysis bullosa simplex 5B, with muscular dystrophy. Last evaluated: 2023-01-20. Review status: criteria provided, single submitter. Criteria: Invitae Variant Classification Sherloc (09022015). Collection method: clinical testing. Allele origin: germline.

PreventionGenetics, part of Exact Sciences
Classification: Likely benign for PLEC-related condition. Last evaluated: 2024-01-05. Review status: no assertion criteria provided. Collection method: clinical testing. Allele origin: germline. Not counted in ClinVar's aggregate classification.
Comment: This variant is classified as likely benign based on ACMG/AMP sequence variant interpretation guidelines (Richards et al. 2015 PMID: 25741868, with internal and published modifications).